The following is an entry in ClinVar:

ClinVar aggregate classification (germline): Likely benign (1 of 4 stars; one submission).

gnomAD v4.1: 5,125 of 1,502,590 alleles (0.34%); highest among the groups gnomAD compares: Admixed American, 0.46%; 11 homozygotes.

Submission:

CeGaT Center for Human Genetics Tuebingen
Classification: Likely benign. Last evaluated: 2025-01-01. Review status: criteria provided, single submitter. Criteria: CeGaT Center For Human Genetics Tuebingen Variant Classification Criteria Version 2. Collection method: clinical testing. Allele origin: germline. Affected: yes. Observed: 1 variant allele.
Comment: MICAL2: BP4, BP7

NM_001282663.2(MICAL2):c.3334+272C>T

Gene: MICAL2 (microtubule associated monooxygenase, calponin and LIM domain containing 2; plus strand). Cytogenetic location: 11p15.3.
Variant type: single nucleotide variant.
Coding change: c.3334+272C>T on transcript NM_001282663.2 (MANE Select); 272 bases into the intron after coding-DNA position 3334, C replaced by T.
Molecular consequence: intron variant. On other transcripts: synonymous variant (2).
Genome position (GRCh38, 1-based): chr11:12,260,169, C>T. VCF-style: chr11-12260169-C-T. GRCh37 (hg19) VCF-style: chr11-12281716-C-T.
Other names: c.2928C>T, p.Arg976= (NM_001282666.1); c.2865C>T, p.Arg955= (NM_001282667.1); c.3334+272C>T (NM_001393937.1, NM_014632.4, NM_001346292.2); c.3271+272C>T (NM_001346293.2, NM_001346297.2, NM_001346295.2 and 5 more transcripts); c.2764+272C>T (NM_001282665.1).
Identifiers: ClinVar variation 3770586 (VCV003770586.13).